The following is an entry in ClinVar:

NM_000051.4(ATM):c.8030A>T (p.Tyr2677Phe)

Genes: ATM (ATM serine/threonine kinase; plus strand), C11orf65 (chromosome 11 open reading frame 65; minus strand). Cytogenetic location: 11q22.3.
Variant type: single nucleotide variant.
Coding change: c.8030A>T on transcript NM_000051.4 (MANE Select); coding-DNA position 8030, A replaced by T.
Protein change: p.Tyr2677Phe; replaces tyrosine 2677 with phenylalanine.
Molecular consequence: missense variant. On other transcripts: intron variant (2).
Genome position (GRCh38, 1-based): chr11:108,334,988, A>T. VCF-style: chr11-108334988-A-T. GRCh37 (hg19) VCF-style: chr11-108205715-A-T.
Other names: c.8030A>T, p.Tyr2677Phe (NM_001351834.2); c.641-25917T>A (NM_001330368.2); c.*38+232T>A (NM_001351110.2); short protein forms Y2677F.
Identifiers: ClinVar variation 2632569 (VCV002632569.1), dbSNP rs28942103, ClinGen allele CA382561877.

ClinVar aggregate classification (germline): Uncertain significance (1 of 4 stars; one submission).

Conditions:
ATM-related disorder. Also called: ATM-related disorders; ATM-related condition.

Submission:

PreventionGenetics, part of Exact Sciences
Classification: Uncertain significance for ATM-related condition. Last evaluated: 2023-06-07. Review status: criteria provided, single submitter. Criteria: ACMG Guidelines, 2015. Collection method: clinical testing. Allele origin: germline.
Comment: The ATM c.8030A>T variant is predicted to result in the amino acid substitution p.Tyr2677Phe. To our knowledge, this variant has not been reported in the literature or in a large population database, indicating this variant is rare. Another variant at the same codon p.Tyr2677Cys was observed in two sisters with late onset ataxia-telangiectasia in compound heterozygous state with ATM frameshift variant (Saviozzi et al. 2002. PubMed ID: 11826028) and functional in vitro study confirmed that this variant results in the absence of ATM protein (Mitui et al. 2009. PubMed ID: 18634022). At this time, the clinical significance of p.Tyr2677Phe variant remains uncertain due to the absence of conclusive functional and genetic evidence.